The following is an entry in ClinVar:

NM_001384140.1(PCDH15):c.1385_1388dup (p.Thr464fs)

Gene: PCDH15 (protocadherin related 15; minus strand). Cytogenetic location: 10q21.1.
Variant type: Duplication.
Coding change: c.1385_1388dup on transcript NM_001384140.1 (MANE Select); coding-DNA positions 1385 to 1388, 4 bases duplicated (ACCT; older notation c.1385_1388dupACCT).
Protein change: p.Thr464fs; shifts the reading frame from threonine 464.
Molecular consequence: frameshift variant.
Genome position (GRCh38, 1-based): chr10:54,185,186-54,185,189, AGGT duplicated on the plus strand (ACCT on the coding strand, the reverse complement: PCDH15 is on the minus strand); duplicating any 4 consecutive bases within chr10:54,185,186-54,185,191 gives the same sequence; the c. name uses the placement nearest the transcript's 3' end. VCF-style (leftmost placement, unchanged base first): chr10-54185185-G-GAGGT. GRCh37 (hg19) VCF-style: chr10-55944945-G-GAGGT.
Other names: c.1400_1403dup, p.Thr469fs (NM_001142763.2, NM_001142771.2); c.1385_1388dup, p.Thr464fs (NM_001142764.2, NM_001142765.2, NM_001142766.2 and 6 more transcripts); c.1274_1277dup, p.Thr427fs (NM_001142767.2); c.1319_1322dup, p.Thr442fs (NM_001142768.2, NM_001142773.2, NM_001354404.2); c.1419_1422dup, p.Thr476Profs (NM_001142769.4); c.1406_1409dup, p.Thr471fs (NM_001354411.2); short protein forms T427fs, T442fs, T464fs, T469fs, T471fs, T476fs.
Identifiers: ClinVar variation 5014088 (VCV005014088.1).

ClinVar aggregate classification (germline): Pathogenic (1 of 4 stars; one submission).

Conditions:
Usher syndrome type 1F (USH1F). Also called: USHER SYNDROME, TYPE IF. Identifiers: Orphanet 231169, Orphanet 886, MedGen C1865885, MONDO:0011186, OMIM 602083.

Submission:

Myriad Genetics, Inc.
Classification: Pathogenic for Usher syndrome type 1F. Last evaluated: 2025-02-11. Review status: criteria provided, single submitter. Criteria: Myriad Autosomal Dominant, Autosomal Recessive and X-Linked Classification Criteria (2023). Collection method: clinical testing. Allele origin: unknown.
Comment: NM_033056.3(PCDH15):c.1385_1388dupACCT(T464Pfs*23) is expected to be pathogenic in the context of PCDH15-related disorders. This variant is predicted to lead to an abnormal or absent protein product due to the creation of a premature termination codon in PCDH15, a gene where loss-of-function variants are known to be pathogenic. Please note: this variant was assessed in the context of healthy population screening.